The following is an entry in ClinVar:

ClinVar aggregate classification (germline): Likely benign. Review status: criteria provided, single submitter (1 of 4 stars). 2 submissions from 2 submitters: Likely benign (1). 1 of the submissions does not count toward it. Last evaluated 2024-11-26.

Conditions:
MCM6-related disorder. Also called: MCM6-related condition.

Allele frequency attached by ClinVar (database versions not stated): 1000 Genomes Project 30x 0.00234; 1000 Genomes Project 0.00240; TOPMed 0.00314; ESP Exome Variant Server 0.00331; ExAC 0.00402; gnomAD exomes 0.00404; gnomAD 0.00417.
gnomAD v4.1: 6,490 of 1,613,242 alleles (0.4%); highest among the groups gnomAD compares: Non-Finnish European, 0.44%; 22 homozygotes.

Submissions (16):

Blueprint Genetics
Classification: Likely benign. Last evaluated: 2024-11-26. Review status: criteria provided, single submitter. Criteria: ACMG Guidelines, 2015. Collection method: clinical testing. Allele origin: germline.

PreventionGenetics, part of Exact Sciences
Classification: Benign for MCM6-related condition. Last evaluated: 2019-07-30. Review status: no assertion criteria provided. Collection method: clinical testing. Allele origin: germline. Not counted in ClinVar's aggregate classification.
Comment: This variant is classified as benign based on ACMG/AMP sequence variant interpretation guidelines (Richards et al. 2015 PMID: 25741868, with internal and published modifications).

Dr. Peter K. Rogan Lab, Western University
No classification provided (evidence only). Condition: Clear cell carcinoma of kidney. Review status: no classification provided. Collection method: in vitro. Allele origin: not applicable. Functional consequence: retained intron. Not counted in ClinVar's aggregate classification.

Dr. Peter K. Rogan Lab, Western University
No classification provided (evidence only). Condition: Clear cell carcinoma of kidney. Review status: no classification provided. Collection method: in vitro. Allele origin: not applicable. Functional consequence: retained intron. Not counted in ClinVar's aggregate classification.

Dr. Peter K. Rogan Lab, Western University
No classification provided (evidence only). Condition: Lung cancer. Review status: no classification provided. Collection method: in vitro. Allele origin: not applicable. Functional consequence: skipped exon, retained intron. Not counted in ClinVar's aggregate classification.

Dr. Peter K. Rogan Lab, Western University
No classification provided (evidence only). Condition: Melanoma. Review status: no classification provided. Collection method: in vitro. Allele origin: not applicable. Functional consequence: retained intron. Not counted in ClinVar's aggregate classification.

Dr. Peter K. Rogan Lab, Western University
No classification provided (evidence only). Condition: Thyroid cancer, nonmedullary, 1. Review status: no classification provided. Collection method: in vitro. Allele origin: not applicable. Functional consequence: retained intron. Not counted in ClinVar's aggregate classification.

Dr. Peter K. Rogan Lab, Western University
No classification provided (evidence only). Condition: Malignant lymphoma, large B-cell, diffuse. Review status: no classification provided. Collection method: in vitro. Allele origin: not applicable. Functional consequence: retained intron. Not counted in ClinVar's aggregate classification.

Dr. Peter K. Rogan Lab, Western University
No classification provided (evidence only). Condition: Ovarian serous cystadenocarcinoma. Review status: no classification provided. Collection method: in vitro. Allele origin: not applicable. Functional consequence: retained intron. Not counted in ClinVar's aggregate classification.

Dr. Peter K. Rogan Lab, Western University
No classification provided (evidence only). Condition: Gastric cancer. Review status: no classification provided. Collection method: in vitro. Allele origin: not applicable. Functional consequence: retained intron. Not counted in ClinVar's aggregate classification.

Dr. Peter K. Rogan Lab, Western University
No classification provided (evidence only). Condition: Gastric cancer. Review status: no classification provided. Collection method: in vitro. Allele origin: not applicable. Functional consequence: retained intron. Not counted in ClinVar's aggregate classification.

Dr. Peter K. Rogan Lab, Western University
No classification provided (evidence only). Condition: Gastric cancer. Review status: no classification provided. Collection method: in vitro. Allele origin: not applicable. Functional consequence: retained intron. Not counted in ClinVar's aggregate classification.

Dr. Peter K. Rogan Lab, Western University
No classification provided (evidence only). Condition: Gastric cancer. Review status: no classification provided. Collection method: in vitro. Allele origin: not applicable. Functional consequence: retained intron. Not counted in ClinVar's aggregate classification.

Dr. Peter K. Rogan Lab, Western University
No classification provided (evidence only). Condition: Gastric cancer. Review status: no classification provided. Collection method: in vitro. Allele origin: not applicable. Functional consequence: retained intron. Not counted in ClinVar's aggregate classification.

Dr. Peter K. Rogan Lab, Western University
No classification provided (evidence only). Condition: Gastric cancer. Review status: no classification provided. Collection method: in vitro. Allele origin: not applicable. Functional consequence: retained intron. Not counted in ClinVar's aggregate classification.

Dr. Peter K. Rogan Lab, Western University
No classification provided (evidence only). Condition: Malignant tumor of esophagus. Review status: no classification provided. Collection method: in vitro. Allele origin: not applicable. Functional consequence: retained intron. Not counted in ClinVar's aggregate classification.

NM_005915.6(MCM6):c.1082A>G (p.Asn361Ser)

Gene: MCM6 (minichromosome maintenance complex component 6; minus strand). Cytogenetic location: 2q21.3.
Variant type: single nucleotide variant.
Coding change: c.1082A>G on transcript NM_005915.6 (MANE Select); coding-DNA position 1082, A replaced by G.
Protein change: p.Asn361Ser; replaces asparagine 361 with serine.
Molecular consequence: missense variant.
Genome position (GRCh38, 1-based): chr2:135,862,745, T>C on the plus strand (A>G on the coding strand, the complement: MCM6 is on the minus strand). VCF-style: chr2-135862745-T-C. GRCh37 (hg19) VCF-style: chr2-136620315-T-C.
Other names: NC_000002.11:g.136620315T>C; short protein forms N361S.
Identifiers: ClinVar variation 3033295 (VCV003033295.4), dbSNP rs141448886, ClinGen allele CA1889073.